The following is an entry in ClinVar:

ClinVar aggregate classification (germline): Likely benign (0 of 4 stars; one submission).

Conditions:
SEMA3C-related disorder. Also called: SEMA3C-related condition.

gnomAD v4.1: 2 of 1,614,106 alleles (0.00012%); highest among the groups gnomAD compares: Non-Finnish European, 0.00017%; no homozygotes.

Submission:

PreventionGenetics, part of Exact Sciences
Classification: Likely benign for SEMA3C-related condition. Last evaluated: 2023-03-09. Review status: no assertion criteria provided. Collection method: clinical testing. Allele origin: germline.
Comment: This variant is classified as likely benign based on ACMG/AMP sequence variant interpretation guidelines (Richards et al. 2015 PMID: 25741868, with internal and published modifications).

NM_006379.5(SEMA3C):c.2088A>G (p.Ala696=)

Gene: SEMA3C (semaphorin 3C; minus strand). Cytogenetic location: 7q21.11.
Variant type: single nucleotide variant.
Coding change: c.2088A>G on transcript NM_006379.5 (MANE Select); coding-DNA position 2088, A replaced by G.
Protein change: p.Ala696=; no amino-acid change (alanine 696 retained).
Molecular consequence: synonymous variant.
Genome position (GRCh38, 1-based): chr7:80,745,062, T>C on the plus strand (A>G on the coding strand, the complement: SEMA3C is on the minus strand). VCF-style: chr7-80745062-T-C. GRCh37 (hg19) VCF-style: chr7-80374378-T-C.
Other names: c.2142A>G, p.Ala714= (NM_001350120.2); c.1914A>G, p.Ala638= (NM_001350121.2).
Identifiers: ClinVar variation 3355932 (VCV003355932.1).
Genomic context (GRCh38, chr7:80,745,062, plus strand): 5'-ATGTTGCTGCCGAGTGTCTTTGCAATATTGGTTAATCATCTGCATTTCTGAGTGGCTGAA[T>C]GCCCCCATGATGTCCTTCGGGTGGAAGGGTAAAGCCCTCACAGAGCTGGCCCAGGTCCAT-3'
Protein context (NP_006370.1, residues 686-706): LPFHPKDIMG[Ala696=]FSHSEMQMIN